The following is an entry in ClinVar:

NM_000487.6(ARSA):c.173G>T (p.Gly58Val)

Gene: ARSA (arylsulfatase A; minus strand). Cytogenetic location: 22q13.33.
Variant type: single nucleotide variant.
Coding change: c.173G>T on transcript NM_000487.6 (MANE Select); coding-DNA position 173, G replaced by T.
Protein change: p.Gly58Val; replaces glycine 58 with valine.
Molecular consequence: missense variant. On other transcripts: intron variant (2).
Genome position (GRCh38, 1-based): chr22:50,627,607, C>A on the plus strand (G>T on the coding strand, the complement: ARSA is on the minus strand). VCF-style: chr22-50627607-C-A. GRCh37 (hg19) VCF-style: chr22-51066035-C-A.
Other names: c.173G>T, p.Gly58Val (NM_001085427.3, NM_001085425.3, NM_001085426.3); c.-34-201G>T (NM_001362782.2, NM_001085428.3); short protein forms G58V.
Identifiers: ClinVar variation 1514048 (VCV001514048.5), dbSNP rs2082698425, ClinGen allele CA412182447.

ClinVar aggregate classification (germline): Uncertain significance (1 of 4 stars; one submission).

Conditions:
Metachromatic leukodystrophy (MLD). Also called: Cerebral sclerosis diffuse metachromatic form; Arylsulfatase A Deficiency; METACHROMATIC LEUKOENCEPHALOPATHY; SULFATIDE LIPIDOSIS; ARSA DEFICIENCY; CEREBROSIDE SULFATASE DEFICIENCY. Identifiers: Orphanet 512, MedGen C0023522, MONDO:0018868, OMIM 250100.

Allele frequency attached by ClinVar (database versions not stated): TOPMed below 0.00001.

Submission:

Labcorp Genetics (formerly Invitae), Labcorp
Classification: Uncertain significance for Metachromatic leukodystrophy. Last evaluated: 2024-10-16. Review status: criteria provided, single submitter. Criteria: Invitae Variant Classification Sherloc (09022015). Collection method: clinical testing. Allele origin: germline.
Comment: This sequence change replaces glycine, which is neutral and non-polar, with valine, which is neutral and non-polar, at codon 58 of the ARSA protein (p.Gly58Val). This variant is not present in population databases (gnomAD no frequency). This variant has not been reported in the literature in individuals affected with ARSA-related conditions. ClinVar contains an entry for this variant (Variation ID: 1514048). Invitae Evidence Modeling of protein sequence and biophysical properties (such as structural, functional, and spatial information, amino acid conservation, physicochemical variation, residue mobility, and thermodynamic stability) indicates that this missense variant is expected to disrupt ARSA protein function with a positive predictive value of 95%. In summary, the available evidence is currently insufficient to determine the role of this variant in disease. Therefore, it has been classified as a Variant of Uncertain Significance.